The following is an entry in ClinVar:

NM_004208.4(AIFM1):c.818C>T (p.Ala273Val)

Genes: AIFM1 (apoptosis inducing factor mitochondria associated 1; minus strand), RAB33A (RAB33A, member RAS oncogene family; plus strand). Cytogenetic location: Xq26.1.
Variant type: single nucleotide variant.
Coding change: c.818C>T on transcript NM_004208.4 (MANE Select); coding-DNA position 818, C replaced by T.
Protein change: p.Ala273Val; replaces alanine 273 with valine.
Molecular consequence: missense variant. On other transcripts: non-coding transcript variant (1).
Genome position (GRCh38, 1-based): chrX:130,139,835, G>A on the plus strand (C>T on the coding strand, the complement: AIFM1 is on the minus strand). VCF-style: chrX-130139835-G-A. GRCh37 (hg19) VCF-style: chrX-129273810-G-A.
Other names: c.818C>T, p.Ala273Val (NM_001130847.4); c.806C>T, p.Ala269Val (NM_145812.3); short protein forms A269V, A273V.
Identifiers: ClinVar variation 1719016 (VCV001719016.5), dbSNP rs2523129605, ClinGen allele CA414582450.

ClinVar aggregate classification (germline): Uncertain significance (1 of 4 stars; one submission).

Conditions:
Combined oxidative phosphorylation deficiency. Identifiers: MedGen C4540031, MONDO:0000732.
Charcot-Marie-Tooth Neuropathy X. Identifiers: MedGen CN118851.

Submission:

Labcorp Genetics (formerly Invitae), Labcorp
Classification: Uncertain significance for Charcot-Marie-Tooth Neuropathy X; Combined oxidative phosphorylation deficiency. Last evaluated: 2022-09-07. Review status: criteria provided, single submitter. Criteria: Invitae Variant Classification Sherloc (09022015). Collection method: clinical testing. Allele origin: germline.
Comment: In summary, the available evidence is currently insufficient to determine the role of this variant in disease. Therefore, it has been classified as a Variant of Uncertain Significance. Algorithms developed to predict the effect of missense changes on protein structure and function (SIFT, PolyPhen-2, Align-GVGD) all suggest that this variant is likely to be tolerated. This variant has not been reported in the literature in individuals affected with AIFM1-related conditions. This variant is not present in population databases (gnomAD no frequency). This sequence change replaces alanine, which is neutral and non-polar, with valine, which is neutral and non-polar, at codon 273 of the AIFM1 protein (p.Ala273Val).